The following is an entry in ClinVar:

ClinVar aggregate classification (germline): Benign/Likely benign. Review status: criteria provided, multiple submitters, no conflicts (2 of 4 stars). 3 submissions from 3 submitters: Benign (1); Likely benign (2). Last evaluated 2026-01-27.

Conditions:
Intellectual disability, CASK-related, X-linked. Identifiers: MedGen CN043158.

Allele frequency attached by ClinVar (database versions not stated): ExAC 0.00005; gnomAD exomes 0.00007 and 0.00008; gnomAD 0.00020 and 0.00021; TOPMed 0.00020; ESP Exome Variant Server 0.00028.
gnomAD v4.1: 99 of 1,062,303 alleles (0.0093%); highest among the groups gnomAD compares: African/African-American, 0.061%; no homozygotes.

Submissions (4):

Labcorp Genetics (formerly Invitae), Labcorp
Classification: Benign for Intellectual disability, CASK-related, X-linked. Last evaluated: 2026-01-27. Review status: criteria provided, single submitter. Criteria: Invitae Variant Classification Sherloc (09022015). Collection method: clinical testing. Allele origin: germline.

Blueprint Genetics
Classification: Likely benign. Last evaluated: 2021-03-18. Review status: criteria provided, single submitter. Criteria: ACMG Guidelines, 2015. Collection method: clinical testing. Allele origin: germline.

GeneDx
Classification: Likely benign. Last evaluated: 2017-10-23. Review status: criteria provided, single submitter. Criteria: GeneDx Variant Classification (06012015). Collection method: clinical testing. Allele origin: germline. Affected: yes.
Comment: This variant is considered likely benign or benign based on one or more of the following criteria: it is a conservative change, it occurs at a poorly conserved position in the protein, it is predicted to be benign by multiple in silico algorithms, and/or has population frequency not consistent with disease.

Dr. Peter K. Rogan Lab, Western University
No classification provided (evidence only). Condition: Malignant tumor of esophagus. Review status: no classification provided. Collection method: in vitro. Allele origin: not applicable. Functional consequence: retained intron. Not counted in ClinVar's aggregate classification.

NM_001367721.1(CASK):c.430-18G>A

Gene: CASK (calcium/calmodulin dependent serine protein kinase; minus strand). Cytogenetic location: Xp11.4.
Variant type: single nucleotide variant.
Coding change: c.430-18G>A on transcript NM_001367721.1 (MANE Select); 18 bases into the intron before coding-DNA position 430, G replaced by A.
Molecular consequence: intron variant.
Genome position (GRCh38, 1-based): chrX:41,671,548, C>T on the plus strand (G>A on the coding strand, the complement: CASK is on the minus strand). VCF-style: chrX-41671548-C-T. GRCh37 (hg19) VCF-style: chrX-41530801-C-T.
Other names: c.430-18G>A (NM_001126055.3, NM_001410745.1, NM_001126054.3 and 1 more transcripts).
Identifiers: ClinVar variation 512723 (VCV000512723.11), dbSNP rs372470833, ClinGen allele CA10390374.
Genomic context (GRCh38, chrX:41,671,548, plus strand): 5'-CAGGTGCCGAGTTTTCTTTTGAGGCAAGGAGAACACAGTGGGGCTGAAAAGAAAAACAGA[C>T]GAACAAACAAACAAAAAACAAACCCGAAGATAAGGATTCATTGAAGATGAACAATGCAGT-3'